The following is an entry in ClinVar:

NM_001378457.1(DMXL2):c.1388C>T (p.Ser463Leu)

Gene: DMXL2 (Dmx like 2; minus strand). Cytogenetic location: 15q21.2.
Variant type: single nucleotide variant.
Coding change: c.1388C>T on transcript NM_001378457.1 (MANE Select); coding-DNA position 1388, C replaced by T.
Protein change: p.Ser463Leu; replaces serine 463 with leucine.
Molecular consequence: missense variant. On other transcripts: non-coding transcript variant (2).
Genome position (GRCh38, 1-based): chr15:51,537,717, G>A on the plus strand (C>T on the coding strand, the complement: DMXL2 is on the minus strand). VCF-style: chr15-51537717-G-A. GRCh37 (hg19) VCF-style: chr15-51829914-G-A.
Other names: c.1388C>T, p.Ser463Leu (NM_001174116.3, NM_001174117.3, NM_001378458.1 and 6 more transcripts); c.1148C>T, p.Ser383Leu (NM_001378464.1); short protein forms S383L, S463L.
Identifiers: ClinVar variation 4687284 (VCV004687284.1).

ClinVar aggregate classification (germline): Uncertain significance (1 of 4 stars; one submission).

gnomAD v4.1: 5 of 1,613,672 alleles (0.00031%); highest among the groups gnomAD compares: Non-Finnish European, 0.00042%; no homozygotes.

Submission:

Women's Health and Genetics/Laboratory Corporation of America, LabCorp
Classification: Uncertain significance. Last evaluated: 2025-10-15. Review status: criteria provided, single submitter. Criteria: LabCorp Variant Classification Summary - May 2015. Collection method: clinical testing. Allele origin: germline.
Comment: Variant summary: DMXL2 c.1388C>T (p.Ser463Leu) results in a non-conservative amino acid change in the encoded protein sequence. Algorithms developed to predict the effect of missense changes on protein structure and function are either unavailable or do not agree on the potential impact of this missense change. The variant was absent in 250954 control chromosomes. The available data on variant occurrences in the general population are insufficient to allow any conclusion about variant significance. To our knowledge, no occurrence of c.1388C>T in individuals affected with DMXL2-related conditions and no experimental evidence demonstrating its impact on protein function have been reported. No submitters have cited clinical-significance assessments for this variant to ClinVar. Based on the evidence outlined above, the variant was classified as uncertain significance.